The following is an entry in ClinVar:

ClinVar aggregate classification (germline): Pathogenic. Review status: criteria provided, multiple submitters, no conflicts (2 of 4 stars). 2 submissions from 2 submitters: Pathogenic (2). Last evaluated 2021-07-09.

Conditions:
Hereditary cancer-predisposing syndrome. Also called: Neoplastic Syndromes, Hereditary; Hereditary neoplastic syndrome; Tumor predisposition; Hereditary Cancer Syndrome. Identifiers: Orphanet 140162, MedGen C0027672, MeSH D009386, MONDO:0015356.
DICER1-related tumor predisposition. Also called: DICER1 syndrome; DICER1-related pleuropulmonary blastoma cancer predisposition syndrome. Identifiers: Orphanet 284343, MedGen C3839822, MONDO:0100216.

Submissions (2):

Labcorp Genetics (formerly Invitae), Labcorp
Classification: Pathogenic for DICER1-related tumor predisposition. Last evaluated: 2021-07-09. Review status: criteria provided, single submitter. Criteria: Invitae Variant Classification Sherloc (09022015). Collection method: clinical testing. Allele origin: germline.
Comment: This sequence change creates a premature translational stop signal (p.Gln1135Lysfs*9) in the DICER1 gene. It is expected to result in an absent or disrupted protein product. Loss-of-function variants in DICER1 are known to be pathogenic (PMID: 19556464, 21266384). This variant is not present in population databases (ExAC no frequency). This variant has not been reported in the literature in individuals with DICER1-related conditions. ClinVar contains an entry for this variant (Variation ID: 663671). For these reasons, this variant has been classified as Pathogenic.

Ambry Genetics
Classification: Pathogenic for Hereditary cancer-predisposing syndrome. Last evaluated: 2018-04-11. Review status: criteria provided, single submitter. Criteria: Ambry Variant Classification Scheme 2023. Collection method: clinical testing. Allele origin: germline.
Comment: The c.3402delT pathogenic mutation, located in coding exon 20 of the DICER1 gene, results from a deletion of one nucleotide at nucleotide position 3402, causing a translational frameshift with a predicted alternate stop codon (p.Q1135Kfs*9). This alteration is expected to result in loss of function by premature protein truncation or nonsense-mediated mRNA decay. As such, this alteration is interpreted as a disease-causing mutation.

Literature cited by the submitters: PubMed 19556464 (cited by Labcorp Genetics (formerly Invitae), Labcorp); PubMed 21266384 (cited by Labcorp Genetics (formerly Invitae), Labcorp).

NM_177438.3(DICER1):c.3402del (p.Gln1135fs)

Gene: DICER1 (dicer 1, ribonuclease III; minus strand). Cytogenetic location: 14q32.13.
Variant type: Deletion.
Coding change: c.3402del on transcript NM_177438.3 (MANE Select); coding-DNA position 3402, one base deleted (T; older notation c.3402delT).
Protein change: p.Gln1135fs; shifts the reading frame from glutamine 1135.
Molecular consequence: frameshift variant.
Genome position (GRCh38, 1-based): chr14:95,103,994, A deleted on the plus strand (T on the coding strand, the reverse complement: DICER1 is on the minus strand). VCF-style (leftmost placement, unchanged base first): chr14-95103993-GA-G. GRCh37 (hg19) VCF-style: chr14-95570330-GA-G.
Other names: c.3402del, p.Gln1135fs (NM_001195573.1, NM_001271282.3, NM_001291628.2 and 1 more transcripts); c.3402delT (NM_177438.2); short protein forms Q1135fs.
Identifiers: ClinVar variation 663671 (VCV000663671.10), dbSNP rs1595367266, ClinGen allele CA915946374.
Genomic context (GRCh38, chr14:95,103,993, plus strand): 5'-TTCTGCAGTTCACAGACATTTGGTCATGATTTTCTAGAGAGGAGGTTCTATTAGCACCTT[GA>G]TGTGCAGCATTTTCAGGGACAATTGTGCTGTGCTTACAGTAATTATCATTTTCAGCTGAA-3'